The following is an entry in ClinVar:

NM_000218.3(KCNQ1):c.1006G>T (p.Ala336Ser)

Gene: KCNQ1 (potassium voltage-gated channel subfamily Q member 1; plus strand). Cytogenetic location: 11p15.5.
Variant type: single nucleotide variant.
Coding change: c.1006G>T on transcript NM_000218.3 (MANE Select); coding-DNA position 1006, G replaced by T.
Protein change: p.Ala336Ser; replaces alanine 336 with serine.
Molecular consequence: missense variant.
Genome position (GRCh38, 1-based): chr11:2,583,519, G>T. VCF-style: chr11-2583519-G-T. GRCh37 (hg19) VCF-style: chr11-2604749-G-T.
Other names: c.1006G>T, p.Ala336Ser (NM_001406836.1); c.736G>T, p.Ala246Ser (NM_001406837.1); c.562G>T, p.Ala188Ser (NM_001406838.1); c.625G>T, p.Ala209Ser (NM_181798.2); short protein forms A188S, A209S, A246S, A336S.
Identifiers: ClinVar variation 3899449 (VCV003899449.2).

ClinVar aggregate classification (germline): Uncertain significance. Review status: criteria provided, multiple submitters, no conflicts (2 of 4 stars). 2 submissions from 2 submitters: Uncertain significance (2). Last evaluated 2026-02-14.

Conditions:
Cardiovascular phenotype. Identifiers: MedGen CN230736.

gnomAD v4.1: 1 of 1,613,892 alleles (0.000062%); no homozygotes.

Submissions (2):

Ambry Genetics
Classification: Uncertain significance for Cardiovascular phenotype. Last evaluated: 2026-02-14. Review status: criteria provided, single submitter. Criteria: Ambry Variant Classification Scheme 2023. Collection method: clinical testing. Allele origin: germline.
Comment: The p.A336S variant (also known as c.1006G>T), located in coding exon 7 of the KCNQ1 gene, results from a G to T substitution at nucleotide position 1006. The alanine at codon 336 is replaced by serine, an amino acid with similar properties. This amino acid position is conserved. In addition, this alteration is predicted to be deleterious by in silico analysis. Based on the available evidence, the clinical significance of this variant remains unclear.

GeneDx
Classification: Uncertain significance. Last evaluated: 2024-11-19. Review status: criteria provided, single submitter. Criteria: GeneDx Variant Classification Process June 2021. Collection method: clinical testing. Allele origin: germline. Affected: yes.
Comment: Not observed at significant frequency in large population cohorts (gnomAD); In silico analysis indicates that this missense variant does not alter protein structure/function; Has not been previously published as pathogenic or benign to our knowledge